The following is an entry in ClinVar:

NM_004168.4(SDHA):c.1414G>A (p.Glu472Lys)

Gene: SDHA (succinate dehydrogenase complex flavoprotein subunit A; plus strand). Cytogenetic location: 5p15.33.
Variant type: single nucleotide variant.
Coding change: c.1414G>A on transcript NM_004168.4 (MANE Select); coding-DNA position 1414, G replaced by A.
Protein change: p.Glu472Lys; replaces glutamic acid 472 with lysine.
Molecular consequence: missense variant.
Genome position (GRCh38, 1-based): chr5:236,581, G>A. VCF-style: chr5-236581-G-A. GRCh37 (hg19) VCF-style: chr5-236696-G-A.
Other names: c.1270G>A, p.Glu424Lys (NM_001294332.2); c.1414G>A, p.Glu472Lys (NM_001330758.2); short protein forms E472K, E424K.
Identifiers: ClinVar variation 371838 (VCV000371838.20), dbSNP rs143798161, ClinGen allele CA3173216.

ClinVar aggregate classification (germline): Conflicting classifications of pathogenicity. Review status: criteria provided, conflicting classifications (1 of 4 stars). 7 submissions from 7 submitters: Uncertain significance (5); Likely benign (1). 1 of the submissions does not count toward it. Last evaluated 2026-01-26.

Conditions:
Pheochromocytoma/paraganglioma syndrome 5. Also called: Paragangliomas 5; SDHA-Related Hereditary Paraganglioma-Pheochromocytoma Syndrome. Identifiers: Orphanet 29072, MedGen C3279992, MONDO:0013602, OMIM 614165.
Hereditary cancer-predisposing syndrome. Also called: Tumor predisposition; Hereditary Cancer Syndrome; Hereditary neoplastic syndrome; Neoplastic Syndromes, Hereditary. Identifiers: Orphanet 140162, MedGen C0027672, MeSH D009386, MONDO:0015356.
Dilated cardiomyopathy 1GG (CMD1GG). Identifiers: Orphanet 154, MedGen C3150898, MONDO:0013339, OMIM 613642.
Mitochondrial complex II deficiency, nuclear type 1. Also called: SUCCINATE CoQ REDUCTASE DEFICIENCY. Identifiers: Orphanet 3208, MedGen C5700310, MONDO:0100294, OMIM 252011.

Allele frequency attached by ClinVar (database versions not stated): gnomAD 0.00001 and 0.00002; TOPMed 0.00001; 1000 Genomes Project 0.00060; ExAC 0.00091.

Submissions (7):

Labcorp Genetics (formerly Invitae), Labcorp
Classification: Uncertain significance for Pheochromocytoma/paraganglioma syndrome 5; Mitochondrial complex II deficiency, nuclear type 1. Last evaluated: 2026-01-26. Review status: criteria provided, single submitter. Criteria: Invitae Variant Classification Sherloc (09022015). Collection method: clinical testing. Allele origin: germline.
Comment: This sequence change replaces glutamic acid, which is acidic and polar, with lysine, which is basic and polar, at codon 472 of the SDHA protein (p.Glu472Lys). The frequency data for this variant in the population databases is considered unreliable, as metrics indicate poor data quality at this position in the gnomAD database. This variant has not been reported in the literature in individuals affected with SDHA-related conditions. ClinVar contains an entry for this variant (Variation ID: 371838). Invitae Evidence Modeling of protein sequence and biophysical properties (such as structural, functional, and spatial information, amino acid conservation, physicochemical variation, residue mobility, and thermodynamic stability) indicates that this missense variant is not expected to disrupt SDHA protein function with a negative predictive value of 95%. In summary, the available evidence is currently insufficient to determine the role of this variant in disease. Therefore, it has been classified as a Variant of Uncertain Significance.

Quest Diagnostics Nichols Institute San Juan Capistrano
Classification: Uncertain significance. Last evaluated: 2025-05-18. Review status: criteria provided, single submitter. Criteria: Quest Diagnostics criteria. Collection method: clinical testing. Allele origin: unknown.
Comment: The SDHA c.1414G>A (p.Glu472Lys) variant has been reported in the published literature in individuals with breast cancer (PMID: 30246500 (2019)), and oral cancer (PMID: 30134176 (2018)). The frequency of this variant in the general population (Genome Aggregation Database) is uninformative in the assessment of its pathogenicity. Analysis of this variant using bioinformatics tools for the prediction of the effect of amino acid changes on protein structure and function yielded predictions that this variant is benign. Based on the available information, we are unable to determine the clinical significance of this variant.

GeneDx
Classification: Uncertain significance. Last evaluated: 2024-05-13. Review status: criteria provided, single submitter. Criteria: GeneDx Variant Classification Process June 2021. Collection method: clinical testing. Allele origin: germline. Affected: yes.
Comment: Not observed at significant frequency in large population cohorts (gnomAD); In silico analysis supports that this missense variant does not alter protein structure/function; Has not been previously published as pathogenic or benign to our knowledge

Baylor Genetics
Classification: Uncertain significance for Dilated cardiomyopathy 1GG. Last evaluated: 2024-02-13. Review status: criteria provided, single submitter. Criteria: ACMG Guidelines, 2015. Collection method: clinical testing. Allele origin: unknown.

Myriad Genetics, Inc.
Classification: Uncertain significance for Pheochromocytoma/paraganglioma syndrome 5. Last evaluated: 2023-04-21. Review status: criteria provided, single submitter. Criteria: Myriad Autosomal Dominant, Autosomal Recessive and X-Linked Classification Criteria (2023). Collection method: clinical testing. Allele origin: unknown.
Comment: This variant is classified as a variant of uncertain significance as there is insufficient evidence to determine its impact on protein function and/or cancer risk.

Ambry Genetics
Classification: Likely benign for Hereditary cancer-predisposing syndrome. Last evaluated: 2016-04-20. Review status: criteria provided, single submitter. Criteria: Ambry Variant Classification Scheme 2023. Collection method: clinical testing. Allele origin: germline.

Counsyl
Classification: Uncertain significance for Pheochromocytoma/paraganglioma syndrome 5. Last evaluated: 2016-04-19. Review status: no assertion criteria provided. Collection method: clinical testing. Allele origin: unknown. Not counted in ClinVar's aggregate classification.

Literature cited by the submitters: PubMed 30134176 (cited by Quest Diagnostics Nichols Institute San Juan Capistrano); PubMed 30246500 (cited by Quest Diagnostics Nichols Institute San Juan Capistrano).